The following is an entry in ClinVar:

ClinVar aggregate classification (germline): Benign/Likely benign. Review status: criteria provided, multiple submitters, no conflicts (2 of 4 stars). 4 submissions from 4 submitters: Benign (1); Likely benign (2). 1 of the submissions does not count toward it. Last evaluated 2024-10-11.

Conditions:
GFM2-related disorder. Also called: GFM2-related condition.

Allele frequency attached by ClinVar (database versions not stated): gnomAD 0.00003; ESP Exome Variant Server 0.00008; TOPMed 0.00009.
gnomAD v4.1: 246 of 1,613,312 alleles (0.015%); highest among the groups gnomAD compares: Admixed American, 0.025%; no homozygotes.

Submissions (4):

Blueprint Genetics
Classification: Likely benign. Last evaluated: 2024-10-11. Review status: criteria provided, single submitter. Criteria: ACMG Guidelines, 2015. Collection method: clinical testing. Allele origin: germline.

Labcorp Genetics (formerly Invitae), Labcorp
Classification: Likely benign. Last evaluated: 2024-03-13. Review status: criteria provided, single submitter. Criteria: Invitae Variant Classification Sherloc (09022015). Collection method: clinical testing. Allele origin: germline.

GeneDx
Classification: Benign. Last evaluated: 2014-04-21. Review status: criteria provided, single submitter. Criteria: GeneDx Variant Classification (06012015). Collection method: clinical testing. Allele origin: germline. Affected: yes.
Comment: This variant is considered likely benign or benign based on one or more of the following criteria: it is a conservative change, it occurs at a poorly conserved position in the protein, it is predicted to be benign by multiple in silico algorithms, and/or has population frequency not consistent with disease.

PreventionGenetics, part of Exact Sciences
Classification: Likely benign for GFM2-related condition. Last evaluated: 2020-01-06. Review status: no assertion criteria provided. Collection method: clinical testing. Allele origin: germline. Not counted in ClinVar's aggregate classification.
Comment: This variant is classified as likely benign based on ACMG/AMP sequence variant interpretation guidelines (Richards et al. 2015 PMID: 25741868, with internal and published modifications).

NM_032380.5(GFM2):c.1188G>A (p.Gln396=)

Gene: GFM2 (GTP dependent ribosome recycling factor mitochondrial 2; minus strand). Cytogenetic location: 5q13.3.
Variant type: single nucleotide variant.
Coding change: c.1188G>A on transcript NM_032380.5 (MANE Select); coding-DNA position 1188, G replaced by A.
Protein change: p.Gln396=; no amino-acid change (glutamine 396 retained).
Molecular consequence: synonymous variant. On other transcripts: non-coding transcript variant (1), intron variant (1).
Genome position (GRCh38, 1-based): chr5:74,738,534, C>T on the plus strand (G>A on the coding strand, the complement: GFM2 is on the minus strand). VCF-style: chr5-74738534-C-T. GRCh37 (hg19) VCF-style: chr5-74034359-C-T.
Other names: p.Q396Q:CAG>CAA; c.1284G>A, p.Gln428= (NM_001281302.2); c.1188G>A, p.Gln396= (NM_170681.3); c.1080-117G>A (NM_170691.3); c.1188G>A (NM_032380.4).
Identifiers: ClinVar variation 137474 (VCV000137474.11), dbSNP rs147925896, ClinGen allele CA291077.